The following is an entry in ClinVar:

NM_001370658.1(BTD):c.1473G>C (p.Gln491His)

Gene: BTD (biotinidase; plus strand). Cytogenetic location: 3p25.1.
Variant type: single nucleotide variant.
Coding change: c.1473G>C on transcript NM_001370658.1 (MANE Select); coding-DNA position 1473, G replaced by C.
Protein change: p.Gln491His; replaces glutamine 491 with histidine.
Molecular consequence: missense variant. On other transcripts: intron variant (2).
Genome position (GRCh38, 1-based): chr3:15,645,389, G>C. VCF-style: chr3-15645389-G-C. GRCh37 (hg19) VCF-style: chr3-15686896-G-C.
Other names: c.1473G>C, p.Gln491His (NM_001407374.1, NM_001407375.1, NM_001281723.4 and 16 more transcripts); c.399+3332G>C (NM_001370753.1); c.1015+458G>C (NM_001370752.1); c.1533G>C, p.Gln511His (NM_000060.4); short protein forms Q491H, Q511H.
Identifiers: ClinVar variation 1330926 (VCV001330926.13), dbSNP rs764375610, ClinGen allele CA2277490.

ClinVar aggregate classification (germline): Uncertain significance. Review status: criteria provided, multiple submitters, no conflicts (2 of 4 stars). 2 submissions from 2 submitters: Uncertain significance (2). Last evaluated 2022-01-19.

Conditions:
Biotinidase deficiency. Also called: BTD deficiency; Late-onset biotin-responsive multiple carboxylase deficiency; Biotin deficiency. Identifiers: Orphanet 79241, MedGen C0220754, MONDO:0009665, OMIM 253260.

Allele frequency attached by ClinVar (database versions not stated): gnomAD 0.00001.

Submissions (2):

Labcorp Genetics (formerly Invitae), Labcorp
Classification: Uncertain significance for Biotinidase deficiency. Last evaluated: 2022-01-19. Review status: criteria provided, single submitter. Criteria: Invitae Variant Classification Sherloc (09022015). Collection method: clinical testing. Allele origin: germline.
Comment: This sequence change replaces glutamine, which is neutral and polar, with histidine, which is basic and polar, at codon 511 of the BTD protein (p.Gln511His). This variant is present in population databases (rs764375610, gnomAD 0.007%). In summary, the available evidence is currently insufficient to determine the role of this variant in disease. Therefore, it has been classified as a Variant of Uncertain Significance. Algorithms developed to predict the effect of missense changes on protein structure and function (SIFT, PolyPhen-2, Align-GVGD) all suggest that this variant is likely to be tolerated. ClinVar contains an entry for this variant (Variation ID: 1330926). This variant has not been reported in the literature in individuals affected with BTD-related conditions.

ARUP Laboratories, Molecular Genetics and Genomics, ARUP Laboratories
Classification: Uncertain significance for Biotinidase deficiency. Last evaluated: 2021-10-06. Review status: criteria provided, single submitter. Criteria: ARUP Molecular Germline Variant Investigation Process 2021. Collection method: clinical testing. Allele origin: germline.
Comment: The BTD c.1533G>C; p.Gln511His variant (rs764375610), to our knowledge, is not reported in the medical literature or gene specific databases. This variant is only observed on one allele in the Genome Aggregation Database, indicating it is not a common polymorphism. The glutamine at codon 511 is weakly conserved, but computational analyses are uncertain whether this variant is neutral or deleterious (REVEL: 0.179). However, given the lack of clinical and functional data, the significance of the Gln511His variant is uncertain at this time.